The following is an entry in ClinVar:

NM_006302.3(MOGS):c.2021G>A (p.Arg674Gln)

Gene: MOGS (mannosyl-oligosaccharide glucosidase; minus strand). Cytogenetic location: 2p13.1.
Variant type: single nucleotide variant.
Coding change: c.2021G>A on transcript NM_006302.3 (MANE Select); coding-DNA position 2021, G replaced by A.
Protein change: p.Arg674Gln; replaces arginine 674 with glutamine.
Molecular consequence: missense variant.
Genome position (GRCh38, 1-based): chr2:74,461,768, C>T on the plus strand (G>A on the coding strand, the complement: MOGS is on the minus strand). VCF-style: chr2-74461768-C-T. GRCh37 (hg19) VCF-style: chr2-74688895-C-T.
Other names: c.2021G>A, p.Arg674Gln (LRG_1226t1); c.1703G>A, p.Arg568Gln (NM_001146158.2); short protein forms R568Q, R674Q.
Identifiers: ClinVar variation 659690 (VCV000659690.10), dbSNP rs200966949, ClinGen allele CA1724677.

ClinVar aggregate classification (germline): Uncertain significance. Review status: criteria provided, multiple submitters, no conflicts (2 of 4 stars). 2 submissions from 2 submitters: Uncertain significance (2). Last evaluated 2024-05-14.

Conditions:
Inborn genetic diseases. Identifiers: MedGen C0950123, MeSH D030342.
MOGS-congenital disorder of glycosylation. Also called: GLUCOSIDASE I DEFICIENCY; CDG 2B; MOGS-CDG; CDG IIb. Identifiers: Orphanet 79330, MedGen C1853736, MONDO:0011629, OMIM 606056.

Allele frequency attached by ClinVar (database versions not stated): ESP Exome Variant Server 0.00016; 1000 Genomes Project 30x 0.00031; TOPMed 0.00031; gnomAD 0.00041.
gnomAD v4.1: 124 of 1,614,212 alleles (0.0077%); highest among the groups gnomAD compares: African/African-American, 0.13%; no homozygotes.

Submissions (2):

Ambry Genetics
Classification: Uncertain significance for Inborn genetic diseases. Last evaluated: 2024-05-14. Review status: criteria provided, single submitter. Criteria: Ambry Variant Classification Scheme 2023. Collection method: clinical testing. Allele origin: germline.

Labcorp Genetics (formerly Invitae), Labcorp
Classification: Uncertain significance for MOGS-congenital disorder of glycosylation. Last evaluated: 2022-07-19. Review status: criteria provided, single submitter. Criteria: Invitae Variant Classification Sherloc (09022015). Collection method: clinical testing. Allele origin: germline.
Comment: This sequence change replaces arginine, which is basic and polar, with glutamine, which is neutral and polar, at codon 674 of the MOGS protein (p.Arg674Gln). This variant is present in population databases (rs200966949, gnomAD 0.1%). This variant has not been reported in the literature in individuals affected with MOGS-related conditions. ClinVar contains an entry for this variant (Variation ID: 659690). Algorithms developed to predict the effect of missense changes on protein structure and function are either unavailable or do not agree on the potential impact of this missense change (SIFT: "Deleterious"; PolyPhen-2: "Probably Damaging"; Align-GVGD: "Class C0"). Algorithms developed to predict the effect of sequence changes on RNA splicing suggest that this variant may create or strengthen a splice site. In summary, the available evidence is currently insufficient to determine the role of this variant in disease. Therefore, it has been classified as a Variant of Uncertain Significance.